The following is an entry in ClinVar:

NM_001365276.2(TNXB):c.1047C>G (p.Gly349=)

Gene: TNXB (tenascin XB; minus strand). Cytogenetic location: 6p21.33.
Variant type: single nucleotide variant.
Coding change: c.1047C>G on transcript NM_001365276.2 (MANE Select); coding-DNA position 1047, C replaced by G.
Protein change: p.Gly349=; no amino-acid change (glycine 349 retained).
Molecular consequence: synonymous variant.
Genome position (GRCh38, 1-based): chr6:32,096,806, G>C on the plus strand (C>G on the coding strand, the complement: TNXB is on the minus strand). VCF-style: chr6-32096806-G-C. GRCh37 (hg19) VCF-style: chr6-32064583-G-C.
Other names: p.Gly349=; c.1047C>G, p.Gly349= (NM_019105.8).
Identifiers: ClinVar variation 1193409 (VCV001193409.10), dbSNP rs369785145, ClinGen allele CA3735741.

ClinVar aggregate classification (germline): Likely benign. Review status: criteria provided, multiple submitters, no conflicts (2 of 4 stars). 7 submissions from 7 submitters: Likely benign (7). Last evaluated 2025-12-14.

Conditions:
Cardiovascular phenotype. Identifiers: MedGen CN230736.

Allele frequency attached by ClinVar (database versions not stated): gnomAD exomes 0.00012 and 0.00038; ESP Exome Variant Server 0.00088; ExAC 0.00095; 1000 Genomes Project 0.00100; 1000 Genomes Project 30x 0.00156; gnomAD 0.00169 and 0.00184; TOPMed 0.00182.
gnomAD v4.1: 446 of 1,585,940 alleles (0.028%); highest among the groups gnomAD compares: African/African-American, 0.51%; 2 homozygotes.

Submissions (7):

Labcorp Genetics (formerly Invitae), Labcorp
Classification: Likely benign. Last evaluated: 2025-12-14. Review status: criteria provided, single submitter. Criteria: Invitae Variant Classification Sherloc (09022015). Collection method: clinical testing. Allele origin: germline.

Mayo Clinic Laboratories, Mayo Clinic
Classification: Likely benign. Last evaluated: 2025-10-06. Review status: criteria provided, single submitter. Criteria: ACMG Guidelines, 2015. Collection method: clinical testing. Allele origin: germline. Observed: 1 variant allele.
Comment: BS1, BP4, BP7

Women's Health and Genetics/Laboratory Corporation of America, LabCorp
Classification: Likely benign. Last evaluated: 2025-09-24. Review status: criteria provided, single submitter. Criteria: LabCorp Variant Classification Summary - May 2015. Collection method: clinical testing. Allele origin: germline.

Ambry Genetics
Classification: Likely benign for Cardiovascular phenotype. Last evaluated: 2024-11-22. Review status: criteria provided, single submitter. Criteria: Ambry Variant Classification Scheme 2023. Collection method: clinical testing. Allele origin: germline.

Blueprint Genetics
Classification: Likely benign. Last evaluated: 2023-12-01. Review status: criteria provided, single submitter. Criteria: ACMG Guidelines, 2015. Collection method: clinical testing. Allele origin: germline.

GeneDx
Classification: Likely benign. Last evaluated: 2020-11-25. Review status: criteria provided, single submitter. Criteria: GeneDx Variant Classification Process June 2021. Collection method: clinical testing. Allele origin: germline. Affected: yes.

Breakthrough Genomics
Classification: Likely benign. Review status: criteria provided, single submitter. Criteria: ACMG Guidelines, 2015. Collection method: not provided. Allele origin: germline. Inheritance: Autosomal recessive inheritance. Affected: yes.